The following is an entry in ClinVar:

NM_001211.6(BUB1B):c.2090C>G (p.Ser697Cys)

Gene: BUB1B (BUB1 mitotic checkpoint serine/threonine kinase B; plus strand). Cytogenetic location: 15q15.1.
Variant type: single nucleotide variant.
Coding change: c.2090C>G on transcript NM_001211.6 (MANE Select); coding-DNA position 2090, C replaced by G.
Protein change: p.Ser697Cys; replaces serine 697 with cysteine.
Molecular consequence: missense variant.
Genome position (GRCh38, 1-based): chr15:40,208,717, C>G. VCF-style: chr15-40208717-C-G. GRCh37 (hg19) VCF-style: chr15-40500918-C-G.
Other names: short protein forms S697C.
Identifiers: ClinVar variation 2560836 (VCV002560836.3), dbSNP rs2037669159, ClinGen allele CA391693680.
Genomic context (GRCh38, chr15:40,208,717, plus strand): 5'-GTGAAGCCACACACTCCTCTGGCTTCTCTGGTTCTTCTGCCTCGGTTGCAAGCACCTCCT[C>G]CATCAAATGTCTTCAAATTCCTGAGAAACTAGAACTTACTAATGAGACTTCAGGTAGGAT-3'
Protein context (NP_001202.5, residues 687-707): GSSASVASTS[Ser697Cys]IKCLQIPEKL

ClinVar aggregate classification (germline): Uncertain significance (1 of 4 stars; one submission).

Conditions:
Inborn genetic diseases. Identifiers: MedGen C0950123, MeSH D030342.

gnomAD v4.1: 1 of 1,613,732 alleles (0.000062%); highest among the groups gnomAD compares: African/African-American, 0.0013%; no homozygotes.

Submission:

Ambry Genetics
Classification: Uncertain significance for Inborn genetic diseases. Last evaluated: 2025-11-17. Review status: criteria provided, single submitter. Criteria: Ambry Variant Classification Scheme 2023. Collection method: clinical testing. Allele origin: germline.
Comment: The p.S697C variant (also known as c.2090C>G), located in coding exon 16 of the BUB1B gene, results from a C to G substitution at nucleotide position 2090. The serine at codon 697 is replaced by cysteine, an amino acid with dissimilar properties. This amino acid position is conserved. In addition, this alteration is predicted to be tolerated by in silico analysis. Since supporting evidence is limited at this time, the clinical significance of this alteration remains unclear.